The following is an entry in ClinVar:

ClinVar aggregate classification (germline): Uncertain significance. Review status: criteria provided, multiple submitters, no conflicts (2 of 4 stars). 2 submissions from 2 submitters: Uncertain significance (2). Last evaluated 2026-02-09.

Conditions:
Intellectual developmental disorder, X-linked 1. Also called: Atkin Flaitz Patil Smith syndrome; MENTAL RETARDATION, X-LINKED 18; MENTAL RETARDATION, X-LINKED 78; Intellectual disability, X-linked 1. Identifiers: Orphanet 777, MedGen C2931498, MONDO:0010656, OMIM 309530.
IQSEC2-related disorder. Also called: IQSEC2-related condition.

Submissions (2):

PreventionGenetics, part of Exact Sciences
Classification: Uncertain significance for IQSEC2-related condition. Last evaluated: 2026-02-09. Review status: criteria provided, single submitter. Criteria: ACMG Guidelines, 2015. Collection method: clinical testing. Allele origin: germline.
Comment: The IQSEC2 c.1491G>T variant is predicted to result in the amino acid substitution p.Glu497Asp. To our knowledge, this variant has not been reported in the literature or in a large population database (gnomAD), indicating this variant is rare. At this time, the clinical significance of this variant is uncertain due to the absence of conclusive functional and genetic evidence.

Labcorp Genetics (formerly Invitae), Labcorp
Classification: Uncertain significance for Intellectual developmental disorder, X-linked 1. Last evaluated: 2025-12-15. Review status: criteria provided, single submitter. Criteria: Invitae Variant Classification Sherloc (09022015). Collection method: clinical testing. Allele origin: germline.
Comment: This sequence change replaces glutamic acid, which is acidic and polar, with aspartic acid, which is acidic and polar, at codon 497 of the IQSEC2 protein (p.Glu497Asp). This variant is not present in population databases (gnomAD no frequency). This variant has not been reported in the literature in individuals affected with IQSEC2-related conditions. ClinVar contains an entry for this variant (Variation ID: 3669988). Invitae Evidence Modeling of protein sequence and biophysical properties (such as structural, functional, and spatial information, amino acid conservation, physicochemical variation, residue mobility, and thermodynamic stability) indicates that this missense variant is not expected to disrupt IQSEC2 protein function with a negative predictive value of 95%. In summary, the available evidence is currently insufficient to determine the role of this variant in disease. Therefore, it has been classified as a Variant of Uncertain Significance.

NM_001111125.3(IQSEC2):c.1491G>T (p.Glu497Asp)

Gene: IQSEC2 (IQ motif and Sec7 domain ArfGEF 2; minus strand). Cytogenetic location: Xp11.22.
Variant type: single nucleotide variant.
Coding change: c.1491G>T on transcript NM_001111125.3 (MANE Select); coding-DNA position 1491, G replaced by T.
Protein change: p.Glu497Asp; replaces glutamic acid 497 with aspartic acid.
Molecular consequence: missense variant.
Genome position (GRCh38, 1-based): chrX:53,251,085, C>A on the plus strand (G>T on the coding strand, the complement: IQSEC2 is on the minus strand). VCF-style: chrX-53251085-C-A. GRCh37 (hg19) VCF-style: chrX-53280267-C-A.
Other names: c.1491G>T (NM_001111125.2); c.1491G>T, p.Glu497Asp (NM_001410736.1); c.876G>T, p.Glu292Asp (NM_015075.2); short protein forms E292D, E497D.
Identifiers: ClinVar variation 3669988 (VCV003669988.3).